The following is an entry in ClinVar:

NM_001994.3(F13B):c.10A>T (p.Lys4Ter)

Gene: F13B (coagulation factor XIII B chain; minus strand). Cytogenetic location: 1q31.3.
Variant type: single nucleotide variant.
Coding change: c.10A>T on transcript NM_001994.3 (MANE Select); coding-DNA position 10, A replaced by T.
Protein change: p.Lys4Ter; replaces lysine 4 with a stop codon.
Molecular consequence: nonsense.
Genome position (GRCh38, 1-based): chr1:197,067,214, T>A on the plus strand (A>T on the coding strand, the complement: F13B is on the minus strand). VCF-style: chr1-197067214-T-A. GRCh37 (hg19) VCF-style: chr1-197036344-T-A.
Other names: short protein forms K4*.
Identifiers: ClinVar variation 4687426 (VCV004687426.1).

ClinVar aggregate classification (germline): Pathogenic (1 of 4 stars; one submission).

Conditions:
Factor XIII, b subunit, deficiency of. Also called: Factor XIII subunit B deficiency. Identifiers: Orphanet 331, MedGen C2750481, MONDO:0013190, OMIM 613235, HP:0040234.

Submission:

Women's Health and Genetics/Laboratory Corporation of America, LabCorp
Classification: Pathogenic for Factor XIII, b subunit, deficiency of. Last evaluated: 2025-10-09. Review status: criteria provided, single submitter. Criteria: LabCorp Variant Classification Summary - May 2015. Collection method: clinical testing. Allele origin: germline.
Comment: Variant summary: F13B c.10A>T (p.Lys4X) results in a premature termination codon, predicted to cause a truncation of the encoded protein or absence of the protein due to nonsense mediated decay, which are commonly known mechanisms for disease. The variant was absent in 250494 control chromosomes (gnomAD). To our knowledge, no occurrence of c.10A>T in individuals affected with F13B-related conditions and no experimental evidence demonstrating its impact on protein function have been reported. No submitters have cited clinical-significance assessments for this variant to ClinVar. Based on the evidence outlined above, the variant was classified as pathogenic.